The following is an entry in ClinVar:

ClinVar aggregate classification (germline): Uncertain significance. Review status: criteria provided, multiple submitters, no conflicts (2 of 4 stars). 2 submissions from 2 submitters: Uncertain significance (2). Last evaluated 2026-07-09.

Conditions:
Cardiomyopathy (CMYO). Also called: Cardiomyopathies. Identifiers: Orphanet 167848, MedGen C0878544, MONDO:0004994, HP:0001638. Inheritance: Various modes of inheritance.
Cardiovascular phenotype. Identifiers: MedGen CN230736.

Allele frequency attached by ClinVar (database versions not stated): gnomAD exomes below 0.00001.
gnomAD v4.1: 6 of 1,613,102 alleles (0.00037%); highest among the groups gnomAD compares: Non-Finnish European, 0.00017%; no homozygotes.

Submissions (2):

Ambry Genetics
Classification: Uncertain significance for Cardiovascular phenotype. Last evaluated: 2026-07-09. Review status: criteria provided, single submitter. Criteria: Ambry Variant Classification Scheme 2023. Collection method: clinical testing. Allele origin: germline.
Comment: The p.S2368A variant (also known as c.7102T>G), located in coding exon 46 of the RYR2 gene, results from a T to G substitution at nucleotide position 7102. The serine at codon 2368 is replaced by alanine, an amino acid with similar properties. This amino acid position is conserved. In addition, the in silico prediction for this alteration is inconclusive. Based on the available evidence, the clinical significance of this variant remains unclear.

Color Diagnostics, LLC DBA Color Health
Classification: Uncertain significance for Cardiomyopathy. Last evaluated: 2023-12-04. Review status: criteria provided, single submitter. Criteria: ACMG Guidelines, 2015. Collection method: clinical testing. Allele origin: germline.
Comment: Variant of Uncertain Significance due to insufficient evidence: This missense variant is located in the cytoplasmic domain of the RYR2 protein. Computational prediction tools and conservation analyses are inconclusive regarding the impact of this variant on the protein function. Computational splicing tools suggest that this variant may not impact the RNA splicing. To our knowledge, functional assays have not been performed for this variant nor has the variant been reported in individuals affected with cardiovascular disorders in the literature. This variant is rare in the general population and has been identified in 0/277264 chromosomes by the Genome Aggregation Database (gnomAD). Available evidence is insufficient to determine the pathogenicity of this variant conclusively.

NM_001035.3(RYR2):c.7102T>G (p.Ser2368Ala)

Gene: RYR2 (ryanodine receptor 2; plus strand). Cytogenetic location: 1q43.
Variant type: single nucleotide variant.
Coding change: c.7102T>G on transcript NM_001035.3 (MANE Select); coding-DNA position 7102, T replaced by G.
Protein change: p.Ser2368Ala; replaces serine 2368 with alanine.
Molecular consequence: missense variant.
Genome position (GRCh38, 1-based): chr1:237,639,188, T>G. VCF-style: chr1-237639188-T-G. GRCh37 (hg19) VCF-style: chr1-237802488-T-G.
Other names: c.7102T>G, p.Ser2368Ala (LRG_402t1); short protein forms S2368A.
Identifiers: ClinVar variation 628817 (VCV000628817.7), dbSNP rs1558117178, ClinGen allele CA345396087.